The following is an entry in ClinVar:

NM_152419.3(HGSNAT):c.199T>C (p.Leu67=)

Gene: HGSNAT (heparan-alpha-glucosaminide N-acetyltransferase; plus strand). Cytogenetic location: 8p11.21.
Variant type: single nucleotide variant.
Coding change: c.199T>C on transcript NM_152419.3 (MANE Select); coding-DNA position 199, T replaced by C.
Protein change: p.Leu67=; no amino-acid change (leucine 67 retained).
Molecular consequence: synonymous variant. On other transcripts: 5 prime UTR variant (1).
Genome position (GRCh38, 1-based): chr8:43,147,028, T>C. VCF-style: chr8-43147028-T-C. GRCh37 (hg19) VCF-style: chr8-43002171-T-C.
Other names: p.Leu67=; c.199T>C, p.Leu67= (NM_001363227.2, NM_001363228.2); c.-635T>C (NM_001363229.2).
Identifiers: ClinVar variation 791713 (VCV000791713.13), dbSNP rs376924663, ClinGen allele CA4736443.
Genomic context (GRCh38, chr8:43,147,028, plus strand): 5'-GCAGAGCTGAAGATGGATCAGGCTTTGCTACTCATCCATAATGAACTTCTCTGGACCAAC[T>C]TGACCGTCTACTGGAAATCTGAATGCTGTTATCACGTATGTATCAGTTCACACTCAGTTC-3'
Protein context (NP_689632.2, residues 57-77): LIHNELLWTN[Leu67=]TVYWKSECCY

ClinVar aggregate classification (germline): Likely benign. Review status: criteria provided, multiple submitters, no conflicts (2 of 4 stars). 5 submissions from 5 submitters: Likely benign (4). 1 of the submissions does not count toward it. Last evaluated 2026-02-03.

Conditions:
Mucopolysaccharidosis, MPS-III-C (MPS3C). Also called: MUCOPOLYSACCHARIDOSIS, TYPE IIIC; mucopolysaccharidosis type 3C; SANFILIPPO SYNDROME C; MPS III C; MPS IIIC (Sanfilippo Syndrome Type C); Mucopolysaccharidosis type IIIC (Sanfilippo C). Identifiers: Orphanet 581, Orphanet 79271, MedGen C0086649, MONDO:0009657, OMIM 252930.
HGSNAT-related disorder. Also called: HGSNAT-related condition.
Retinitis pigmentosa 73 (RP73). Identifiers: Orphanet 791, MedGen C4225287, MONDO:0014687, OMIM 616544.

Allele frequency attached by ClinVar (database versions not stated): ESP Exome Variant Server 0.00041; gnomAD 0.00051 and 0.00059; TOPMed 0.00058; gnomAD exomes 0.00013 and 0.00005; 1000 Genomes Project 30x 0.00031; ExAC 0.00016; 1000 Genomes Project 0.00020.
gnomAD v4.1: 154 of 1,607,846 alleles (0.0096%); highest among the groups gnomAD compares: African/African-American, 0.17%; no homozygotes.

Submissions (5):

Labcorp Genetics (formerly Invitae), Labcorp
Classification: Likely benign for Retinitis pigmentosa 73; Mucopolysaccharidosis, MPS-III-C. Last evaluated: 2026-02-03. Review status: criteria provided, single submitter. Criteria: Invitae Variant Classification Sherloc (09022015). Collection method: clinical testing. Allele origin: germline.

Mayo Clinic Laboratories, Mayo Clinic
Classification: Likely benign. Last evaluated: 2025-11-20. Review status: criteria provided, single submitter. Criteria: ACMG Guidelines, 2015. Collection method: clinical testing. Allele origin: germline. Observed: 2 variant alleles.
Comment: BS1, BP4, BP7

PreventionGenetics, part of Exact Sciences
Classification: Likely benign for HGSNAT-related condition. Last evaluated: 2025-11-16. Review status: criteria provided, single submitter. Criteria: ACMG Guidelines, 2015. Collection method: clinical testing. Allele origin: germline.
Comment: This variant is classified as likely benign based on ACMG/AMP sequence variant interpretation guidelines (Richards et al. 2015 PMID: 25741868, with internal and published modifications).

Blueprint Genetics
Classification: Likely benign. Last evaluated: 2022-11-30. Review status: criteria provided, single submitter. Criteria: ACMG Guidelines, 2015. Collection method: clinical testing. Allele origin: germline.

Natera, Inc.
Classification: Uncertain significance for Mucopolysaccharidosis type IIIC. Last evaluated: 2020-01-24. Review status: no assertion criteria provided. Collection method: clinical testing. Allele origin: germline. Not counted in ClinVar's aggregate classification.